The following is an entry in ClinVar:

ClinVar aggregate classification (germline): Uncertain significance. Review status: criteria provided, multiple submitters, no conflicts (2 of 4 stars). 2 submissions from 2 submitters: Uncertain significance (2). Last evaluated 2024-09-30.

Allele frequency attached by ClinVar (database versions not stated): gnomAD 0.00005.

Submissions (2):

Ambry Genetics
Classification: Uncertain significance. Last evaluated: 2024-09-30. Review status: criteria provided, single submitter. Criteria: Ambry Variant Classification Scheme 2023. Collection method: clinical testing. Allele origin: germline.

HudsonAlpha Institute for Biotechnology
Classification: Uncertain significance. Last evaluated: 2021-08-27. Review status: criteria provided, single submitter. Criteria: ACMG Guidelines, 2015. Collection method: research. Allele origin: paternal. Observed: 1 compound heterozygote. Study: CSER-SouthSeq.
Comment: ACMG codes: PM2; PP3

NM_005371.6(METTL1):c.326G>A (p.Arg109Gln)

Gene: METTL1 (methyltransferase 1, tRNA methylguanosine; minus strand). Cytogenetic location: 12q14.1.
Variant type: single nucleotide variant.
Coding change: c.326G>A on transcript NM_005371.6 (MANE Select); coding-DNA position 326, G replaced by A.
Protein change: p.Arg109Gln; replaces arginine 109 with glutamine.
Molecular consequence: missense variant. On other transcripts: intron variant (1).
Genome position (GRCh38, 1-based): chr12:57,769,905, C>T on the plus strand (G>A on the coding strand, the complement: METTL1 is on the minus strand). VCF-style: chr12-57769905-C-T. GRCh37 (hg19) VCF-style: chr12-58163688-C-T.
Other names: c.275-227G>A (NM_023033.4); c.326G>A (NM_005371.5); short protein forms R109Q.
Identifiers: ClinVar variation 1320318 (VCV001320318.2), dbSNP rs768213849, ClinGen allele CA6658789.